The following is an entry in ClinVar:

ClinVar aggregate classification (germline): Pathogenic/Likely pathogenic. Review status: criteria provided, multiple submitters, no conflicts (2 of 4 stars). 3 submissions from 3 submitters: Pathogenic (2); Likely pathogenic (1). Last evaluated 2022-03-15.

Conditions:
Neurofibromatosis, type 1 (NF1). Also called: VON RECKLINGHAUSEN DISEASE; NEUROFIBROMATOSIS, TYPE I, SOMATIC; Peripheral type neurofibromatosis; Neurofibromatosis, type I. Identifiers: Orphanet 636, MedGen C0027831, MONDO:0018975, OMIM 162200. Disease mechanism: loss of function.

Submissions (3):

Genome-Nilou Lab
Classification: Pathogenic for Neurofibromatosis, type 1. Last evaluated: 2022-03-15. Review status: criteria provided, single submitter. Criteria: ACMG Guidelines, 2015. Collection method: clinical testing. Allele origin: germline. Affected: no.

Labcorp Genetics (formerly Invitae), Labcorp
Classification: Pathogenic for Neurofibromatosis, type 1. Last evaluated: 2018-07-06. Review status: criteria provided, single submitter. Criteria: Invitae Variant Classification Sherloc (09022015). Collection method: clinical testing. Allele origin: germline.
Comment: For these reasons, this variant has been classified as Pathogenic. Loss-of-function variants in NF1 are known to be pathogenic (PMID: 10712197, 23913538). This variant has not been reported in the literature in individuals with NF1-related disease. This variant is not present in population databases (ExAC no frequency). This sequence change creates a premature translational stop signal (p.Leu1418*) in the NF1 gene. It is expected to result in an absent or disrupted protein product.

Molecular Diagnostics Laboratory, M Health Fairview: University of Minnesota
Classification: Likely pathogenic for Neurofibromatosis, type 1. Last evaluated: 2017-01-11. Review status: criteria provided, single submitter. Criteria: ACMG Guidelines, 2015. Collection method: clinical testing. Allele origin: germline. Affected: yes. Observed: 1 variant allele.

Literature cited by the submitters: PubMed 10712197 (cited by Labcorp Genetics (formerly Invitae), Labcorp); PubMed 23913538 (cited by Labcorp Genetics (formerly Invitae), Labcorp).

NM_001042492.3(NF1):c.4316T>A (p.Leu1439Ter)

Gene: NF1 (neurofibromin 1; plus strand). Cytogenetic location: 17q11.2.
Variant type: single nucleotide variant.
Coding change: c.4316T>A on transcript NM_001042492.3 (MANE Select); coding-DNA position 4316, T replaced by A.
Protein change: p.Leu1439Ter; replaces leucine 1439 with a stop codon.
Molecular consequence: nonsense.
Genome position (GRCh38, 1-based): chr17:31,258,486, T>A. VCF-style: chr17-31258486-T-A. GRCh37 (hg19) VCF-style: chr17-29585504-T-A.
Other names: c.4253T>A, p.Leu1418Ter (NM_000267.4); short protein forms L1418*, L1439*.
Identifiers: ClinVar variation 623196 (VCV000623196.7), dbSNP rs1567862071, ClinGen allele CA398998119.